The following is an entry in ClinVar:

NM_014264.5(PLK4):c.1782G>T (p.Leu594Phe)

Gene: PLK4 (polo like kinase 4; plus strand). Cytogenetic location: 4q28.1.
Variant type: single nucleotide variant.
Coding change: c.1782G>T on transcript NM_014264.5 (MANE Select); coding-DNA position 1782, G replaced by T.
Protein change: p.Leu594Phe; replaces leucine 594 with phenylalanine.
Molecular consequence: missense variant.
Genome position (GRCh38, 1-based): chr4:127,890,188, G>T. VCF-style: chr4-127890188-G-T. GRCh37 (hg19) VCF-style: chr4-128811343-G-T.
Other names: c.1686G>T, p.Leu562Phe (NM_001190799.2); c.1659G>T, p.Leu553Phe (NM_001190801.2); short protein forms L594F, L562F, L553F.
Identifiers: ClinVar variation 1491247 (VCV001491247.6), dbSNP rs370382016, ClinGen allele CA3076842.

ClinVar aggregate classification (germline): Uncertain significance (1 of 4 stars; one submission).

Allele frequency attached by ClinVar (database versions not stated): gnomAD exomes 0.00001 and 0.00002; TOPMed 0.00002; ExAC 0.00003; gnomAD 0.00003; ESP Exome Variant Server 0.00008.
gnomAD v4.1: 12 of 1,613,272 alleles (0.00074%); highest among the groups gnomAD compares: African/African-American, 0.0013%; no homozygotes.

Submission:

Labcorp Genetics (formerly Invitae), Labcorp
Classification: Uncertain significance. Last evaluated: 2021-06-07. Review status: criteria provided, single submitter. Criteria: Invitae Variant Classification Sherloc (09022015). Collection method: clinical testing. Allele origin: germline.
Comment: This sequence change replaces leucine with phenylalanine at codon 594 of the PLK4 protein (p.Leu594Phe). The leucine residue is highly conserved and there is a small physicochemical difference between leucine and phenylalanine. This variant is present in population databases (rs370382016, ExAC 0.01%). In summary, the available evidence is currently insufficient to determine the role of this variant in disease. Therefore, it has been classified as a Variant of Uncertain Significance. Algorithms developed to predict the effect of missense changes on protein structure and function are either unavailable or do not agree on the potential impact of this missense change (SIFT: "Deleterious"; PolyPhen-2: "Probably Damaging"; Align-GVGD: "Class C0"). This variant has not been reported in the literature in individuals with PLK4-related conditions.